The following is an entry in ClinVar:

NM_004415.4(DSP):c.4405C>G (p.Leu1469Val)

Gene: DSP (desmoplakin; plus strand). Cytogenetic location: 6p24.3.
Variant type: single nucleotide variant.
Coding change: c.4405C>G on transcript NM_004415.4 (MANE Select); coding-DNA position 4405, C replaced by G.
Protein change: p.Leu1469Val; replaces leucine 1469 with valine.
Molecular consequence: missense variant. On other transcripts: intron variant (2).
Genome position (GRCh38, 1-based): chr6:7,580,595, C>G. VCF-style: chr6-7580595-C-G. GRCh37 (hg19) VCF-style: chr6-7580828-C-G.
Other names: c.4050+355C>G (NM_001319034.2); c.3582+823C>G (NM_001008844.3); short protein forms L1469V.
Identifiers: ClinVar variation 927495 (VCV000927495.5), dbSNP rs752121953, ClinGen allele CA362686239.

ClinVar aggregate classification (germline): Uncertain significance (1 of 4 stars; one submission).

Conditions:
Cardiomyopathy (CMYO). Also called: Cardiomyopathies. Identifiers: Orphanet 167848, MedGen C0878544, MONDO:0004994, HP:0001638. Inheritance: Various modes of inheritance.

Submission:

Color Diagnostics, LLC DBA Color Health
Classification: Uncertain significance for Cardiomyopathy. Last evaluated: 2023-12-05. Review status: criteria provided, single submitter. Criteria: ACMG Guidelines, 2015. Collection method: clinical testing. Allele origin: germline.
Comment: This missense variant replaces leucine with valine at codon 1469 of the DSP protein. Computational prediction tools and conservation analyses are inconclusive regarding the impact of this variant on the protein function. Computational splicing tools suggest that this variant may not impact RNA splicing. To our knowledge, functional assays have not been performed for this variant nor has this variant been reported in individuals affected with cardiovascular disorders in the literature. This variant has not been identified in the general population by the Genome Aggregation Database (gnomAD). Available evidence is insufficient to determine the role of this variant in disease conclusively. Therefore, this variant is classified as a Variant of Uncertain Significance.